The following is an entry in ClinVar:

NM_022168.4(IFIH1):c.199G>C (p.Glu67Gln)

Gene: IFIH1 (interferon induced with helicase C domain 1; minus strand). Cytogenetic location: 2q24.2.
Variant type: single nucleotide variant.
Coding change: c.199G>C on transcript NM_022168.4 (MANE Select); coding-DNA position 199, G replaced by C.
Protein change: p.Glu67Gln; replaces glutamic acid 67 with glutamine.
Molecular consequence: missense variant.
Genome position (GRCh38, 1-based): chr2:162,318,109, C>G on the plus strand (G>C on the coding strand, the complement: IFIH1 is on the minus strand). VCF-style: chr2-162318109-C-G. GRCh37 (hg19) VCF-style: chr2-163174619-C-G.
Other names: c.199G>C (NM_022168.3); short protein forms E67Q.
Identifiers: ClinVar variation 1523491 (VCV001523491.8), dbSNP rs2105238398, ClinGen allele CA349013917.

ClinVar aggregate classification (germline): Uncertain significance. Review status: criteria provided, multiple submitters, no conflicts (2 of 4 stars). 2 submissions from 2 submitters: Uncertain significance (2). Last evaluated 2023-02-16.

Conditions:
IFIH1-related disorder. Also called: IFIH1-related condition.
Singleton-Merten syndrome 1 (SGMRT1). Also called: Widened medullary cavities of bone, aortic calcification, abnormal dentition, and muscular weakness; Syndrome of widened medullary cavities of the metacarpals and phalanges, aortic calcification and abnormal dentition. Identifiers: Orphanet 85191, MedGen C4225427, MONDO:0024535, OMIM 182250.
Aicardi-Goutieres syndrome 7 (AGS7). Identifiers: Orphanet 51, MedGen C3888244, MONDO:0014367, OMIM 615846.

Submissions (2):

PreventionGenetics, part of Exact Sciences
Classification: Uncertain significance for IFIH1-related condition. Last evaluated: 2023-02-16. Review status: criteria provided, single submitter. Criteria: ACMG Guidelines, 2015. Collection method: clinical testing. Allele origin: germline.
Comment: The IFIH1 c.199G>C variant is predicted to result in the amino acid substitution p.Glu67Gln. To our knowledge, this variant has not been reported in the literature or in a large population database, indicating this variant is rare. At this time, the clinical significance of this variant is uncertain due to the absence of conclusive functional and genetic evidence.

Labcorp Genetics (formerly Invitae), Labcorp
Classification: Uncertain significance for Aicardi-Goutieres syndrome 7; Singleton-Merten syndrome 1. Last evaluated: 2021-04-08. Review status: criteria provided, single submitter. Criteria: Invitae Variant Classification Sherloc (09022015). Collection method: clinical testing. Allele origin: germline.
Comment: This sequence change replaces glutamic acid with glutamine at codon 67 of the IFIH1 protein (p.Glu67Gln). The glutamic acid residue is moderately conserved and there is a small physicochemical difference between glutamic acid and glutamine. In summary, the available evidence is currently insufficient to determine the role of this variant in disease. Therefore, it has been classified as a Variant of Uncertain Significance. Algorithms developed to predict the effect of missense changes on protein structure and function are either unavailable or do not agree on the potential impact of this missense change (SIFT: "Tolerated"; PolyPhen-2: "Possibly Damaging"; Align-GVGD: "Class C0"). This variant has not been reported in the literature in individuals with IFIH1-related conditions. This variant is not present in population databases (ExAC no frequency).